The following is an entry in ClinVar:

ClinVar aggregate classification (germline): Uncertain significance. Review status: criteria provided, multiple submitters, no conflicts (2 of 4 stars). 2 submissions from 2 submitters: Uncertain significance (2). Last evaluated 2025-03-05.

Allele frequency attached by ClinVar (database versions not stated): ExAC 0.00002; gnomAD 0.00005.
gnomAD v4.1: 35 of 1,531,508 alleles (0.0023%); highest among the groups gnomAD compares: Non-Finnish European, 0.0028%; no homozygotes.

Submissions (2):

Labcorp Genetics (formerly Invitae), Labcorp
Classification: Uncertain significance. Last evaluated: 2025-03-05. Review status: criteria provided, single submitter. Criteria: Invitae Variant Classification Sherloc (09022015). Collection method: clinical testing. Allele origin: germline.
Comment: This sequence change replaces glycine, which is neutral and non-polar, with arginine, which is basic and polar, at codon 2074 of the DSCAML1 protein (p.Gly2074Arg). This variant is present in population databases (rs746166512, gnomAD 0.002%). This variant has not been reported in the literature in individuals affected with DSCAML1-related conditions. ClinVar contains an entry for this variant (Variation ID: 2070496). An algorithm developed to predict the effect of missense changes on protein structure and function (PolyPhen-2) suggests that this variant is likely to be tolerated. In summary, the available evidence is currently insufficient to determine the role of this variant in disease. Therefore, it has been classified as a Variant of Uncertain Significance.

Ambry Genetics
Classification: Uncertain significance. Last evaluated: 2025-02-12. Review status: criteria provided, single submitter. Criteria: Ambry Variant Classification Scheme 2023. Collection method: clinical testing. Allele origin: germline.

NM_020693.4(DSCAML1):c.6040G>A (p.Gly2014Arg)

Gene: DSCAML1 (DS cell adhesion molecule like 1; minus strand). Cytogenetic location: 11q23.3.
Variant type: single nucleotide variant.
Coding change: c.6040G>A on transcript NM_020693.4 (MANE Select); coding-DNA position 6040, G replaced by A.
Protein change: p.Gly2014Arg; replaces glycine 2014 with arginine.
Molecular consequence: missense variant.
Genome position (GRCh38, 1-based): chr11:117,428,450, C>T on the plus strand (G>A on the coding strand, the complement: DSCAML1 is on the minus strand). VCF-style: chr11-117428450-C-T. GRCh37 (hg19) VCF-style: chr11-117299166-C-T.
Other names: c.6220G>A (NM_020693.2); short protein forms G2014R.
Identifiers: ClinVar variation 2070496 (VCV002070496.6), dbSNP rs746166512, ClinGen allele CA6295883.